The following is an entry in ClinVar:

ClinVar aggregate classification (germline): Uncertain significance (1 of 4 stars; one submission).

Conditions:
Congenital myopathy with internal nuclei and atypical cores. Also called: Myopathy, centronuclear, 4. Identifiers: Orphanet 319160, MedGen C4707232, MONDO:0013890, OMIM 614807.

Submission:

Labcorp Genetics (formerly Invitae), Labcorp
Classification: Uncertain significance for Congenital myopathy with internal nuclei and atypical cores. Last evaluated: 2024-08-13. Review status: criteria provided, single submitter. Criteria: Invitae Variant Classification Sherloc (09022015). Collection method: clinical testing. Allele origin: germline.
Comment: This variant, c.1274_1282del, results in the deletion of 3 amino acid(s) of the CCDC78 protein (p.Ser425_Trp427del), but otherwise preserves the integrity of the reading frame. This variant is not present in population databases (gnomAD no frequency). This variant has not been reported in the literature in individuals affected with CCDC78-related conditions. Experimental studies and prediction algorithms are not available or were not evaluated, and the functional significance of this variant is currently unknown. In summary, the available evidence is currently insufficient to determine the role of this variant in disease. Therefore, it has been classified as a Variant of Uncertain Significance.

NM_001378030.1(CCDC78):c.1278_1286del (p.Glu426_Val428del)

Gene: CCDC78 (coiled-coil domain containing 78; minus strand). Cytogenetic location: 16p13.3.
Variant type: Deletion.
Coding change: c.1278_1286del on transcript NM_001378030.1 (MANE Select); coding-DNA positions 1278 to 1286, 9 bases deleted (GTACGTGGA; older notation c.1278_1286delGTACGTGGA).
Protein change: p.Glu426_Val428del.
Molecular consequence: non-coding transcript variant (on NR_165382.1).
Genome position (GRCh38, 1-based): chr16:722,937-722,945, TCCACGTAC deleted on the plus strand (GTACGTGGA on the coding strand, the reverse complement: CCDC78 is on the minus strand); deleting any 9 consecutive bases within chr16:722,937-722,948 gives the same sequence; the c. name uses the placement nearest the transcript's 3' end. VCF-style (leftmost placement, unchanged base first): chr16-722936-GTCCACGTAC-G. GRCh37 (hg19) VCF-style: chr16-772936-GTCCACGTAC-G.
Other names: c.1274_1282del, p.Ser425_Trp427del (NM_001031737.3); c.1098_1106del, p.Glu366_Val368del (NM_001378031.1); c.711_719del, p.Glu237_Val239del (NM_001378033.1).
Identifiers: ClinVar variation 3696113 (VCV003696113.2).
Genomic context (GRCh38, chr16:722,936, plus strand): 5'-CAACCAGACCAGGGCCCTGGGGTCACACCCAGCTCCCTCTGCCCACCTGCCCAGGTGCTG[GTCCACGTAC>G]TCCTGTAGCTCAGAAAGTTGCTCTTCAGCCATCGTGGCCCGGACCAGCAGCTGTGCCCGC-3'